The following is an entry in ClinVar:

ClinVar aggregate classification (germline): Pathogenic/Likely pathogenic. Review status: criteria provided, multiple submitters, no conflicts (2 of 4 stars). 2 submissions from 2 submitters: Pathogenic (1); Likely pathogenic (1). Last evaluated 2024-11-19.

Conditions:
Hereditary breast ovarian cancer syndrome. Also called: Hereditary breast and ovarian cancer; Hereditary breast and/or ovarian cancer syndrome; Breast and ovarian cancer; BRCA1- and BRCA2-Associated Hereditary Breast and Ovarian Cancer; Hereditary breast and ovarian cancer syndrome; Hereditary breast and ovarian cancer syndrome (HBOC). Identifiers: Orphanet 145, MedGen C0677776, MeSH D061325, MONDO:0003582. Disease mechanism: loss of function.

Submissions (2):

Labcorp Genetics (formerly Invitae), Labcorp
Classification: Pathogenic for Hereditary breast ovarian cancer syndrome. Last evaluated: 2024-11-19. Review status: criteria provided, single submitter. Criteria: Invitae Variant Classification Sherloc (09022015). Collection method: clinical testing. Allele origin: germline.
Comment: This sequence change creates a premature translational stop signal (p.Cys1200*) in the BRCA2 gene. It is expected to result in an absent or disrupted protein product. Loss-of-function variants in BRCA2 are known to be pathogenic (PMID: 20104584). This variant is not present in population databases (gnomAD no frequency). This variant has not been reported in the literature in individuals affected with BRCA2-related conditions. ClinVar contains an entry for this variant (Variation ID: 655713). For these reasons, this variant has been classified as Pathogenic.

Quest Diagnostics Nichols Institute San Juan Capistrano
Classification: Likely pathogenic. Last evaluated: 2018-12-14. Review status: criteria provided, single submitter. Criteria: Quest Diagnostics criteria. Collection method: clinical testing. Allele origin: germline.
Comment: The variant creates a premature nonsense codon, and is therefore predicted to result in the loss of a functional protein. Not found in the total gnomAD dataset, and the data is high quality (0/282198 chr).

Literature cited by the submitters: PubMed 20104584 (cited by Labcorp Genetics (formerly Invitae), Labcorp); PubMed 27767231 (cited by Quest Diagnostics Nichols Institute San Juan Capistrano).

NM_000059.4(BRCA2):c.3600T>A (p.Cys1200Ter)

Gene: BRCA2 (BRCA2 DNA repair associated; plus strand). Cytogenetic location: 13q13.1.
Variant type: single nucleotide variant.
Coding change: c.3600T>A on transcript NM_000059.4 (MANE Select); coding-DNA position 3600, T replaced by A.
Protein change: p.Cys1200Ter; replaces cysteine 1200 with a stop codon.
Molecular consequence: nonsense.
Genome position (GRCh38, 1-based): chr13:32,337,955, T>A. VCF-style: chr13-32337955-T-A. GRCh37 (hg19) VCF-style: chr13-32912092-T-A.
Other names: short protein forms C1200*.
Identifiers: ClinVar variation 655713 (VCV000655713.12), dbSNP rs786203359, ClinGen allele CA387777493.
Genomic context (GRCh38, chr13:32,337,955, plus strand): 5'-GCAATTTGAAGGTACAGTTGAAATTAAACGGAAGTTTGCTGGCCTGTTGAAAAATGACTG[T>A]AACAAAAGTGCTTCTGGTTATTTAACAGATGAAAATGAAGTGGGGTTTAGGGGCTTTTAT-3'